The following is an entry in ClinVar:

NM_001134407.3(GRIN2A):c.1897G>A (p.Val633Ile)

Gene: GRIN2A (glutamate ionotropic receptor NMDA type subunit 2A; minus strand). Cytogenetic location: 16p13.2.
Variant type: single nucleotide variant.
Coding change: c.1897G>A on transcript NM_001134407.3 (MANE Select); coding-DNA position 1897, G replaced by A.
Protein change: p.Val633Ile; replaces valine 633 with isoleucine.
Molecular consequence: missense variant.
Genome position (GRCh38, 1-based): chr16:9,829,533, C>T on the plus strand (G>A on the coding strand, the complement: GRIN2A is on the minus strand). VCF-style: chr16-9829533-C-T. GRCh37 (hg19) VCF-style: chr16-9923390-C-T.
Other names: c.1897G>A, p.Val633Ile (NM_000833.5, NM_001134408.2); short protein forms V633I.
Identifiers: ClinVar variation 1683989 (VCV001683989.2), dbSNP rs2141312578, ClinGen allele CA394799514.

ClinVar aggregate classification (germline): Uncertain significance (1 of 4 stars; one submission).

Submission:

GeneDx
Classification: Uncertain significance. Last evaluated: 2022-05-05. Review status: criteria provided, single submitter. Criteria: GeneDx Variant Classification Process June 2021. Collection method: clinical testing. Allele origin: germline. Affected: yes.
Comment: Not observed at significant frequency in large population cohorts (gnomAD); In silico analysis supports that this missense variant does not alter protein structure/function; Has not been previously published as pathogenic or benign to our knowledge; This variant is associated with the following publications: (PMID: 27535533, 27839871)